The following is an entry in ClinVar:

NM_005219.5(DIAPH1):c.1726G>A (p.Val576Ile)

Gene: DIAPH1 (diaphanous related formin 1; minus strand). Cytogenetic location: 5q31.3.
Variant type: single nucleotide variant.
Coding change: c.1726G>A on transcript NM_005219.5 (MANE Select); coding-DNA position 1726, G replaced by A.
Protein change: p.Val576Ile; replaces valine 576 with isoleucine.
Molecular consequence: missense variant.
Genome position (GRCh38, 1-based): chr5:141,574,124, C>T on the plus strand (G>A on the coding strand, the complement: DIAPH1 is on the minus strand). VCF-style: chr5-141574124-C-T. GRCh37 (hg19) VCF-style: chr5-140953691-C-T.
Other names: c.1699G>A, p.Val567Ile (NM_001079812.3); c.1726G>A, p.Val576Ile (NM_001314007.2); short protein forms V567I, V576I.
Identifiers: ClinVar variation 2946587 (VCV002946587.3), dbSNP rs2513742512, ClinGen allele CA361521781.

ClinVar aggregate classification (germline): Uncertain significance (1 of 4 stars; one submission).

Conditions:
Autosomal dominant nonsyndromic hearing loss 1. Also called: KONIGSMARK SYNDROME; DEAFNESS, AUTOSOMAL DOMINANT 1, WITH OR WITHOUT THROMBOCYTOPENIA. Identifiers: Orphanet 90635, MedGen C1852282, MONDO:0007424, OMIM 124900.
Progressive microcephaly-seizures-cortical blindness-developmental delay syndrome. Also called: Seizures, cortical blindness, and microcephaly syndrome. Identifiers: Orphanet 477814, MedGen C5567650, MONDO:0014714, OMIM 616632.

Submission:

Labcorp Genetics (formerly Invitae), Labcorp
Classification: Uncertain significance for Progressive microcephaly-seizures-cortical blindness-developmental delay syndrome; Autosomal dominant nonsyndromic hearing loss 1. Last evaluated: 2023-11-16. Review status: criteria provided, single submitter. Criteria: Invitae Variant Classification Sherloc (09022015). Collection method: clinical testing. Allele origin: germline.
Comment: This sequence change replaces valine, which is neutral and non-polar, with isoleucine, which is neutral and non-polar, at codon 576 of the DIAPH1 protein (p.Val576Ile). This variant is not present in population databases (gnomAD no frequency). This variant has not been reported in the literature in individuals affected with DIAPH1-related conditions. Experimental studies and prediction algorithms are not available or were not evaluated, and the functional significance of this variant is currently unknown. In summary, the available evidence is currently insufficient to determine the role of this variant in disease. Therefore, it has been classified as a Variant of Uncertain Significance.